The following is an entry in ClinVar:

ClinVar aggregate classification (germline): Benign (1 of 4 stars; one submission).

Conditions:
Amyotrophic lateral sclerosis type 6. Also called: FUS-Related Amyotrophic Laterial Sclerosis; AMYOTROPHIC LATERAL SCLEROSIS 6 WITHOUT FRONTOTEMPORAL DEMENTIA; Amyotrophic lateral sclerosis 6, with or without frontotemporal dementia. Identifiers: Orphanet 275872, Orphanet 803, MedGen C2931786, MONDO:0011951, OMIM 608030.

Allele frequency attached by ClinVar (database versions not stated): gnomAD 0.00041; gnomAD exomes 0.00086 and 0.00067; ExAC 0.00139; 1000 Genomes Project 30x 0.00031; 1000 Genomes Project 0.00040; TOPMed 0.00064.
gnomAD v4.1: 318 of 487,630 alleles (0.065%); highest among the groups gnomAD compares: Middle Eastern, 0.55%; 2 homozygotes.

Submission:

Illumina Laboratory Services, Illumina
Classification: Benign for Amyotrophic lateral sclerosis type 6. Last evaluated: 2018-01-13. Review status: criteria provided, single submitter. Criteria: ICSL Variant Classification Criteria 13 December 2019. Collection method: clinical testing. Allele origin: germline.
Comment: This variant was observed in the ICSL laboratory as part of a predisposition screen in an ostensibly healthy population. It had not been previously curated by ICSL or reported in the Human Gene Mutation Database (HGMD: prior to June 1st, 2018), and was therefore a candidate for classification through an automated scoring system. Utilizing variant allele frequency, disease prevalence and penetrance estimates, and inheritance mode, an automated score was calculated to assess if this variant is too frequent to cause the disease. Based on the score and internal cut-off values, a variant classified as benign is not then subjected to further curation. The score for this variant resulted in a classification of benign for this disease.

NM_004960.3(FUS):c.*3231T>C

Gene: FUS (FUS DNA/RNA binding protein; plus strand). Cytogenetic location: 16p11.2.
Variant type: single nucleotide variant.
Coding change: c.*3231T>C on transcript NM_004960.3; 3231 bases downstream of the stop codon, T replaced by C.
Molecular consequence: 3 prime UTR variant (on NM_001170634.1). On other transcripts: non-coding transcript variant (1).
Genome position (GRCh38, 1-based): chr16:31,194,669, T>C. VCF-style: chr16-31194669-T-C. GRCh37 (hg19) VCF-style: chr16-31205990-T-C.
Other names: c.*3231T>C (NM_001170634.1, NM_001170937.1).
Identifiers: ClinVar variation 319051 (VCV000319051.7), dbSNP rs193018950, ClinGen allele CA8024384.